The following is an entry in ClinVar:

NM_000053.4(ATP7B):c.3033A>T (p.Gly1011=)

Gene: ATP7B (ATPase copper transporting beta; minus strand). Cytogenetic location: 13q14.3.
Variant type: single nucleotide variant.
Coding change: c.3033A>T on transcript NM_000053.4 (MANE Select); coding-DNA position 3033, A replaced by T.
Protein change: p.Gly1011=; no amino-acid change (glycine 1011 retained).
Molecular consequence: synonymous variant. On other transcripts: intron variant (6).
Genome position (GRCh38, 1-based): chr13:51,946,311, T>A on the plus strand (A>T on the coding strand, the complement: ATP7B is on the minus strand). VCF-style: chr13-51946311-T-A. GRCh37 (hg19) VCF-style: chr13-52520447-T-A.
Other names: c.2412A>T, p.Gly804= (NM_001005918.3); c.2700A>T, p.Gly900= (NM_001243182.2); c.2799A>T, p.Gly933= (NM_001330578.2, NM_001406527.1, NM_001406528.1 and 1 more transcripts); c.2781A>T, p.Gly927= (NM_001330579.2, NM_001406531.1, NM_001406532.1); c.3033A>T, p.Gly1011= (NM_001406511.1, NM_001406512.1, NM_001406513.1 and 2 more transcripts); c.3000A>T, p.Gly1000= (NM_001406514.1); c.2979A>T, p.Gly993= (NM_001406515.1, NM_001406516.1); c.2937A>T, p.Gly979= (NM_001406517.1, NM_001406518.1); and 18 more.
Identifiers: ClinVar variation 1979613 (VCV001979613.6), dbSNP rs773327394, ClinGen allele CA6988834.

ClinVar aggregate classification (germline): Likely benign. Review status: criteria provided, multiple submitters, no conflicts (2 of 4 stars). 2 submissions from 2 submitters: Likely benign (2). Last evaluated 2024-09-23.

Conditions:
Wilson disease (WND). Also called: Wilson's disease. Identifiers: Orphanet 905, MedGen C0019202, MONDO:0010200, OMIM 277900. Disease mechanism: loss of function.

Allele frequency attached by ClinVar (database versions not stated): gnomAD exomes below 0.00001; TOPMed below 0.00001; ExAC 0.00002.
gnomAD v4.1: 2 of 1,599,540 alleles (0.00013%); highest among the groups gnomAD compares: Non-Finnish European, 0.00017%; no homozygotes.

Submissions (2):

All of Us Research Program, National Institutes of Health
Classification: Likely benign for Wilson disease. Last evaluated: 2024-09-23. Review status: criteria provided, single submitter. Criteria: ACMG Guidelines, 2015. Collection method: clinical testing. Allele origin: germline. Inheritance: Autosomal recessive inheritance. Observed: 3 variant alleles, 3 heterozygotes.
Comment: This study involves interpretation of variants in research participants for the purpose of population health screening. Participant phenotype was not available at the time of variant classification. Additional details can be found in publication PMID: 35346344, PMCID: PMC8962531

Labcorp Genetics (formerly Invitae), Labcorp
Classification: Likely benign for Wilson disease. Last evaluated: 2024-06-03. Review status: criteria provided, single submitter. Criteria: Invitae Variant Classification Sherloc (09022015). Collection method: clinical testing. Allele origin: germline.